The following is an entry in ClinVar:

NM_005525.4(HSD11B1):c.845C>T (p.Thr282Met)

Genes: HSD11B1 (hydroxysteroid 11-beta dehydrogenase 1; plus strand), HSD11B1-AS1 (HSD11B1 antisense RNA 1; minus strand). Cytogenetic location: 1q32.2.
Variant type: single nucleotide variant.
Coding change: c.845C>T on transcript NM_005525.4 (MANE Select); coding-DNA position 845, C replaced by T.
Protein change: p.Thr282Met; replaces threonine 282 with methionine.
Molecular consequence: missense variant.
Genome position (GRCh38, 1-based): chr1:209,734,487, C>T. VCF-style: chr1-209734487-C-T. GRCh37 (hg19) VCF-style: chr1-209907832-C-T.
Other names: c.845C>T, p.Thr282Met (NM_001206741.2, NM_181755.3); short protein forms T282M.
Identifiers: ClinVar variation 3107072 (VCV003107072.2), dbSNP rs368554968, ClinGen allele CA1376453.
Genomic context (GRCh38, chr1:209,734,487, plus strand): 5'-TCTGGACCACTCTTCTGATCAGAAATCCATGCAGGAAGATCCTGGAATTTCTCTACTCAA[C>T]GAGCTATAATATGGACAGATTCATAAACAAGTAGGAACTCCCTGAGGGCTGGGCATGCTG-3'
Protein context (NP_005516.1, residues 272-292): CRKILEFLYS[Thr282Met]SYNMDRFINK

ClinVar aggregate classification (germline): Uncertain significance. Review status: criteria provided, multiple submitters, no conflicts (2 of 4 stars). 2 submissions from 2 submitters: Uncertain significance (2). Last evaluated 2024-04-01.

Conditions:
Cortisone reductase deficiency 2 (CORTRD2). Identifiers: Orphanet 168588, MedGen C3553382, MONDO:0013842, OMIM 614662.

Allele frequency attached by ClinVar (database versions not stated): ExAC 0.00002; gnomAD exomes 0.00003; gnomAD 0.00007; ESP Exome Variant Server 0.00008.
gnomAD v4.1: 57 of 1,613,876 alleles (0.0035%); highest among the groups gnomAD compares: African/African-American, 0.011%; no homozygotes.

Submissions (2):

Daryl Scott Lab, Baylor College of Medicine
Classification: Uncertain significance for Cortisone reductase deficiency 2. Last evaluated: 2024-04-01. Review status: criteria provided, single submitter. Criteria: ACMG Guidelines, 2015. Collection method: clinical testing. Allele origin: paternal. Observed: 1 heterozygote.
Comment: BP4

Ambry Genetics
Classification: Uncertain significance. Last evaluated: 2023-12-31. Review status: criteria provided, single submitter. Criteria: Ambry Variant Classification Scheme 2023. Collection method: clinical testing. Allele origin: germline.